The following is an entry in ClinVar:

ClinVar aggregate classification (germline): Uncertain significance (1 of 4 stars; one submission).

Conditions:
Cardiovascular phenotype. Identifiers: MedGen CN230736.
Hereditary cancer-predisposing syndrome. Also called: Neoplastic Syndromes, Hereditary; Tumor predisposition; Hereditary Cancer Syndrome; Hereditary neoplastic syndrome. Identifiers: Orphanet 140162, MedGen C0027672, MeSH D009386, MONDO:0015356.

Submission:

Ambry Genetics
Classification: Uncertain significance for Cardiovascular phenotype; Hereditary cancer-predisposing syndrome. Last evaluated: 2026-03-30. Review status: criteria provided, single submitter. Criteria: Ambry Variant Classification Scheme 2023. Collection method: clinical testing. Allele origin: germline.
Comment: The p.N253D variant (also known as c.757A>G), located in coding exon 8 of the LZTR1 gene, results from an A to G substitution at nucleotide position 757. The asparagine at codon 253 is replaced by aspartic acid, an amino acid with highly similar properties. This amino acid position is conserved. In addition, this alteration is predicted to be tolerated by in silico analysis. Based on the available evidence, the clinical significance of this variant remains unclear.

NM_006767.4(LZTR1):c.757A>G (p.Asn253Asp)

Gene: LZTR1 (leucine zipper like post translational regulator 1; plus strand). Cytogenetic location: 22q11.21.
Variant type: single nucleotide variant.
Coding change: c.757A>G on transcript NM_006767.4 (MANE Select); coding-DNA position 757, A replaced by G.
Protein change: p.Asn253Asp; replaces asparagine 253 with aspartic acid.
Molecular consequence: missense variant.
Genome position (GRCh38, 1-based): chr22:20,990,491, A>G. VCF-style: chr22-20990491-A-G. GRCh37 (hg19) VCF-style: chr22-21344780-A-G.
Other names: short protein forms N253D.
Identifiers: ClinVar variation 4859371 (VCV004859371.1).